The following is an entry in ClinVar:

NM_001374828.1(ARID1B):c.334G>C (p.Gly112Arg)

Genes: ARID1B (AT-rich interaction domain 1B; plus strand), LOC115308161 (uncharacterized LOC115308161; minus strand). Cytogenetic location: 6q25.3.
Variant type: single nucleotide variant.
Coding change: c.334G>C on transcript NM_001374828.1 (MANE Select); coding-DNA position 334, G replaced by C.
Protein change: p.Gly112Arg; replaces glycine 112 with arginine.
Molecular consequence: missense variant.
Genome position (GRCh38, 1-based): chr6:156,778,014, G>C. VCF-style: chr6-156778014-G-C. GRCh37 (hg19) VCF-style: chr6-157099148-G-C.
Other names: c.334G>C, p.Gly112Arg (NM_001371656.1, NM_001374820.1, NM_017519.3); short protein forms G112R.
Identifiers: ClinVar variation 3720517 (VCV003720517.2).

ClinVar aggregate classification (germline): Uncertain significance (1 of 4 stars; one submission).

Submission:

Labcorp Genetics (formerly Invitae), Labcorp
Classification: Uncertain significance. Last evaluated: 2025-01-23. Review status: criteria provided, single submitter. Criteria: Invitae Variant Classification Sherloc (09022015). Collection method: clinical testing. Allele origin: germline.
Comment: This sequence change replaces glycine, which is neutral and non-polar, with arginine, which is basic and polar, at codon 29 of the ARID1B protein (p.Gly29Arg). This variant is not present in population databases (gnomAD no frequency). This variant has not been reported in the literature in individuals affected with ARID1B-related conditions. Invitae Evidence Modeling of protein sequence and biophysical properties (such as structural, functional, and spatial information, amino acid conservation, physicochemical variation, residue mobility, and thermodynamic stability) indicates that this missense variant is not expected to disrupt ARID1B protein function with a negative predictive value of 95%. In summary, the available evidence is currently insufficient to determine the role of this variant in disease. Therefore, it has been classified as a Variant of Uncertain Significance.